The following is an entry in ClinVar:

NC_000017.10:g.(?_29533238)_(29701173_?)del

Genes: EVI2A (ecotropic viral integration site 2A; minus strand), EVI2B (ecotropic viral integration site 2B; minus strand), NF1 (neurofibromin 1; plus strand), OMG (oligodendrocyte myelin glycoprotein; minus strand). Cytogenetic location: 17q11.2.
Variant type: Deletion.
Identifiers: ClinVar variation 3242855 (VCV003242855.1).

ClinVar aggregate classification (germline): Pathogenic (1 of 4 stars; one submission).

Conditions:
Neurofibromatosis, type 1 (NF1). Also called: VON RECKLINGHAUSEN DISEASE; Neurofibromatosis, type I; Peripheral type neurofibromatosis; NEUROFIBROMATOSIS, TYPE I, SOMATIC. Identifiers: Orphanet 636, MedGen C0027831, MONDO:0018975, OMIM 162200. Disease mechanism: loss of function.

Submission:

Labcorp Genetics (formerly Invitae), Labcorp
Classification: Pathogenic for Neurofibromatosis, type 1. Last evaluated: 2022-12-23. Review status: criteria provided, single submitter. Criteria: Invitae Variant Classification Sherloc (09022015). Collection method: clinical testing. Allele origin: unknown.
Comment: For these reasons, this variant has been classified as Pathogenic. This variant disrupts a region of the NF1 protein in which other variant(s) (deletion of exons 14-57) have been determined to be pathogenic (PMID: 25631097). This suggests that this is a clinically significant region of the protein, and that variants that disrupt it are likely to be disease-causing. This variant has not been reported in the literature in individuals affected with NF1-related conditions. This variant is a gross deletion of the genomic region encompassing exon(s) 12-57 of the NF1 gene, which includes the termination codon. This deletion extends beyond the assayed region for this gene and therefore may encompass additional genes. While this deletion is not anticipated to lead to nonsense mediated decay, it is expected to alter mRNA translation or result in a truncated protein product.

Literature cited by the submitters: PubMed 25631097.